The following is an entry in ClinVar:

ClinVar aggregate classification (germline): Likely benign (0 of 4 stars; one submission).

Conditions:
NDUFS2-related disorder. Also called: NDUFS2-related condition.

Allele frequency attached by ClinVar (database versions not stated): ExAC 0.00001; gnomAD exomes 0.00001; TOPMed 0.00002; gnomAD 0.00003.
gnomAD v4.1: 23 of 1,610,328 alleles (0.0014%); highest among the groups gnomAD compares: Non-Finnish European, 0.0019%; no homozygotes.

Submission:

PreventionGenetics, part of Exact Sciences
Classification: Likely benign for NDUFS2-related condition. Last evaluated: 2020-02-04. Review status: no assertion criteria provided. Collection method: clinical testing. Allele origin: germline.
Comment: This variant is classified as likely benign based on ACMG/AMP sequence variant interpretation guidelines (Richards et al. 2015 PMID: 25741868, with internal and published modifications).

NM_001377299.1(NDUFS2):c.202+3G>A

Gene: NDUFS2 (NADH:ubiquinone oxidoreductase core subunit S2; plus strand). Cytogenetic location: 1q23.3.
Variant type: single nucleotide variant.
Coding change: c.202+3G>A on transcript NM_001377299.1 (MANE Select); 3 bases into the intron after coding-DNA position 202, G replaced by A.
Molecular consequence: intron variant.
Genome position (GRCh38, 1-based): chr1:161,203,546, G>A. VCF-style: chr1-161203546-G-A. GRCh37 (hg19) VCF-style: chr1-161173336-G-A.
Other names: c.202+3G>A (NM_001377300.1, NM_001377298.1, NM_001377301.1 and 4 more transcripts).
Identifiers: ClinVar variation 3051643 (VCV003051643.2), dbSNP rs755604585, ClinGen allele CA1208498.
Genomic context (GRCh38, chr1:161,203,546, plus strand): 5'-GGAGCTGTTATGTACCCAAGCAAAGAAACAGCCCACTGGAAGCCTCCACCTTGGAATGGT[G>A]AGTGACCAGAGTTGCTGTCCCAACCCACACCCATCCCTGCCCCCAGCTGATTTCCTTTTC-3'